The following is an entry in ClinVar:

ClinVar aggregate classification (germline): Uncertain significance. Review status: criteria provided, multiple submitters, no conflicts (2 of 4 stars). 2 submissions from 2 submitters: Uncertain significance (2). Last evaluated 2025-09-06.

Conditions:
Inborn genetic diseases. Identifiers: MedGen C0950123, MeSH D030342.
Ullrich congenital muscular dystrophy 2 (UCMD2). Identifiers: Orphanet 75840, MedGen C4225314, MONDO:0014654, OMIM 616470.
Bethlem myopathy 2 (BTHLM2). Identifiers: Orphanet 536516, Orphanet 610, MedGen C4225313, MONDO:0034022, OMIM 616471.

Allele frequency attached by ClinVar (database versions not stated): ExAC 0.00002; TOPMed 0.00006; 1000 Genomes Project 30x 0.00016; 1000 Genomes Project 0.00020; gnomAD exomes 0.00001; gnomAD 0.00008.
gnomAD v4.1: 16 of 1,611,488 alleles (0.00099%); highest among the groups gnomAD compares: Admixed American, 0.023%; no homozygotes.

Submissions (2):

Labcorp Genetics (formerly Invitae), Labcorp
Classification: Uncertain significance for Bethlem myopathy 2; Ullrich congenital muscular dystrophy 2. Last evaluated: 2025-09-06. Review status: criteria provided, single submitter. Criteria: Invitae Variant Classification Sherloc (09022015). Collection method: clinical testing. Allele origin: germline.
Comment: This sequence change replaces glutamic acid, which is acidic and polar, with lysine, which is basic and polar, at codon 89 of the COL12A1 protein (p.Glu89Lys). This variant is present in population databases (rs577043583, gnomAD 0.009%). This variant has not been reported in the literature in individuals affected with COL12A1-related conditions. ClinVar contains an entry for this variant (Variation ID: 2077306). Invitae Evidence Modeling of protein sequence and biophysical properties (such as structural, functional, and spatial information, amino acid conservation, physicochemical variation, residue mobility, and thermodynamic stability) indicates that this missense variant is not expected to disrupt COL12A1 protein function with a negative predictive value of 80%. In summary, the available evidence is currently insufficient to determine the role of this variant in disease. Therefore, it has been classified as a Variant of Uncertain Significance.

Ambry Genetics
Classification: Uncertain significance for Inborn genetic diseases. Last evaluated: 2025-04-13. Review status: criteria provided, single submitter. Criteria: Ambry Variant Classification Scheme 2023. Collection method: clinical testing. Allele origin: germline.

NM_004370.6(COL12A1):c.265G>A (p.Glu89Lys)

Gene: COL12A1 (collagen type XII alpha 1 chain; minus strand). Cytogenetic location: 6q13.
Variant type: single nucleotide variant.
Coding change: c.265G>A on transcript NM_004370.6 (MANE Select); coding-DNA position 265, G replaced by A.
Protein change: p.Glu89Lys; replaces glutamic acid 89 with lysine.
Molecular consequence: missense variant. On other transcripts: intron variant (1).
Genome position (GRCh38, 1-based): chr6:75,192,281, C>T on the plus strand (G>A on the coding strand, the complement: COL12A1 is on the minus strand). VCF-style: chr6-75192281-C-T. GRCh37 (hg19) VCF-style: chr6-75901997-C-T.
Other names: c.265G>A (NM_004370.5); c.73+10439G>A (NM_080645.3); short protein forms E89K.
Identifiers: ClinVar variation 2077306 (VCV002077306.5), dbSNP rs577043583, ClinGen allele CA3894478.